The following is an entry in ClinVar:

ClinVar aggregate classification (germline): Uncertain significance (1 of 4 stars; one submission).

Conditions:
Early-infantile DEE. Also called: Early infantile epileptic encephalopathy with suppression bursts; Early infantile epileptic encephalopathy; Ohtahara syndrome. Identifiers: Orphanet 1934, MedGen C0393706, MONDO:0800491.

Submission:

Labcorp Genetics (formerly Invitae), Labcorp
Classification: Uncertain significance for Early-infantile DEE. Last evaluated: 2024-04-02. Review status: criteria provided, single submitter. Criteria: Invitae Variant Classification Sherloc (09022015). Collection method: clinical testing. Allele origin: germline.
Comment: This sequence change replaces tyrosine, which is neutral and polar, with cysteine, which is neutral and slightly polar, at codon 1883 of the SCN8A protein (p.Tyr1883Cys). This variant is not present in population databases (gnomAD no frequency). This variant has not been reported in the literature in individuals affected with SCN8A-related conditions. ClinVar contains an entry for this variant (Variation ID: 1381300). Advanced modeling of protein sequence and biophysical properties (such as structural, functional, and spatial information, amino acid conservation, physicochemical variation, residue mobility, and thermodynamic stability) has been performed at Invitae for this missense variant, however the output from this modeling did not meet the statistical confidence thresholds required to predict the impact of this variant on SCN8A protein function. In summary, the available evidence is currently insufficient to determine the role of this variant in disease. Therefore, it has been classified as a Variant of Uncertain Significance.

NM_001330260.2(SCN8A):c.5648A>G (p.Tyr1883Cys)

Gene: SCN8A (sodium voltage-gated channel alpha subunit 8; plus strand). Cytogenetic location: 12q13.13.
Variant type: single nucleotide variant.
Coding change: c.5648A>G on transcript NM_001330260.2 (MANE Select); coding-DNA position 5648, A replaced by G.
Protein change: p.Tyr1883Cys; replaces tyrosine 1883 with cysteine.
Molecular consequence: missense variant.
Genome position (GRCh38, 1-based): chr12:51,807,134, A>G. VCF-style: chr12-51807134-A-G. GRCh37 (hg19) VCF-style: chr12-52200918-A-G.
Other names: c.5525A>G, p.Tyr1842Cys (NM_001177984.3, NM_001369788.1); c.5648A>G, p.Tyr1883Cys (NM_014191.4); short protein forms Y1883C, Y1842C.
Identifiers: ClinVar variation 1381300 (VCV001381300.7), dbSNP rs2138944280, ClinGen allele CA384888304.